The following is an entry in ClinVar:

ClinVar aggregate classification (germline): Uncertain significance. Review status: criteria provided, single submitter (1 of 4 stars). 2 submissions from 2 submitters: Uncertain significance (1). 1 of the submissions does not count toward it. Last evaluated 2021-09-01.

Conditions:
Hyperammonemia, type III (NAGSD). Also called: Hyperammonemia due to N-acetylglutamate synthase deficiency. Identifiers: Orphanet 927, MedGen C0268543, MONDO:0009377, OMIM 237310.

Allele frequency attached by ClinVar (database versions not stated): TOPMed below 0.00001; gnomAD 0.00001; gnomAD exomes 0.00001.
gnomAD v4.1: 22 of 1,613,772 alleles (0.0014%); highest among the groups gnomAD compares: Non-Finnish European, 0.0018%; no homozygotes.

Submissions (2):

Labcorp Genetics (formerly Invitae), Labcorp
Classification: Uncertain significance for Hyperammonemia, type III. Last evaluated: 2021-09-01. Review status: criteria provided, single submitter. Criteria: Invitae Variant Classification Sherloc (09022015). Collection method: clinical testing. Allele origin: germline.
Comment: This sequence change replaces lysine with glutamine at codon 402 of the NAGS protein (p.Lys402Gln). The lysine residue is moderately conserved and there is a small physicochemical difference between lysine and glutamine. This variant is not present in population databases (ExAC no frequency). This variant has not been reported in the literature in individuals affected with NAGS-related conditions. Algorithms developed to predict the effect of missense changes on protein structure and function (SIFT, PolyPhen-2, Align-GVGD) all suggest that this variant is likely to be tolerated. In summary, the available evidence is currently insufficient to determine the role of this variant in disease. Therefore, it has been classified as a Variant of Uncertain Significance.

Natera, Inc.
Classification: Uncertain significance for Hyperammonemia type III. Last evaluated: 2021-01-15. Review status: no assertion criteria provided. Collection method: clinical testing. Allele origin: germline. Not counted in ClinVar's aggregate classification.

NM_153006.3(NAGS):c.1204A>C (p.Lys402Gln)

Gene: NAGS (N-acetylglutamate synthase; plus strand). Cytogenetic location: 17q21.31.
Variant type: single nucleotide variant.
Coding change: c.1204A>C on transcript NM_153006.3 (MANE Select); coding-DNA position 1204, A replaced by C.
Protein change: p.Lys402Gln; replaces lysine 402 with glutamine.
Molecular consequence: missense variant.
Genome position (GRCh38, 1-based): chr17:44,007,430, A>C. VCF-style: chr17-44007430-A-C. GRCh37 (hg19) VCF-style: chr17-42084798-A-C.
Other names: short protein forms K402Q.
Identifiers: ClinVar variation 1022431 (VCV001022431.10), dbSNP rs984226051, ClinGen allele CA290853724.